The following is an entry in ClinVar:

NM_152468.5(TMC8):c.1328T>A (p.Phe443Tyr)

Gene: TMC8 (transmembrane channel like 8; plus strand). Cytogenetic location: 17q25.3.
Variant type: single nucleotide variant.
Coding change: c.1328T>A on transcript NM_152468.5 (MANE Select); coding-DNA position 1328, T replaced by A.
Protein change: p.Phe443Tyr; replaces phenylalanine 443 with tyrosine.
Molecular consequence: missense variant.
Genome position (GRCh38, 1-based): chr17:78,137,793, T>A. VCF-style: chr17-78137793-T-A. GRCh37 (hg19) VCF-style: chr17-76133874-T-A.
Other names: short protein forms F443Y.
Identifiers: ClinVar variation 2131624 (VCV002131624.4), dbSNP rs2510810503, ClinGen allele CA401249638.

ClinVar aggregate classification (germline): Uncertain significance (1 of 4 stars; one submission).

Conditions:
Epidermodysplasia verruciformis. Identifiers: Orphanet 302, MedGen C0014522, MONDO:0009176.

Submission:

Labcorp Genetics (formerly Invitae), Labcorp
Classification: Uncertain significance for Epidermodysplasia verruciformis. Last evaluated: 2022-04-29. Review status: criteria provided, single submitter. Criteria: Invitae Variant Classification Sherloc (09022015). Collection method: clinical testing. Allele origin: germline.
Comment: In summary, the available evidence is currently insufficient to determine the role of this variant in disease. Therefore, it has been classified as a Variant of Uncertain Significance. This sequence change replaces phenylalanine, which is neutral and non-polar, with tyrosine, which is neutral and polar, at codon 443 of the TMC8 protein (p.Phe443Tyr). This variant is not present in population databases (gnomAD no frequency). This variant has not been reported in the literature in individuals affected with TMC8-related conditions. Algorithms developed to predict the effect of missense changes on protein structure and function are either unavailable or do not agree on the potential impact of this missense change (SIFT: "Tolerated"; PolyPhen-2: "Probably Damaging"; Align-GVGD: "Class C0").